The following is an entry in ClinVar:

NM_170707.4(LMNA):c.1362G>A (p.Leu454=)

Gene: LMNA (lamin A/C; plus strand). Cytogenetic location: 1q22.
Variant type: single nucleotide variant.
Coding change: c.1362G>A on transcript NM_170707.4 (MANE Select); coding-DNA position 1362, G replaced by A.
Protein change: p.Leu454=; no amino-acid change (leucine 454 retained).
Molecular consequence: synonymous variant.
Genome position (GRCh38, 1-based): chr1:156,136,418, G>A. VCF-style: chr1-156136418-G-A. GRCh37 (hg19) VCF-style: chr1-156106209-G-A.
Other names: c.1362G>A (NM_170707.3); c.1026G>A, p.Leu342= (NM_001257374.3); c.1119G>A, p.Leu373= (NM_001282624.2); c.1362G>A, p.Leu454= (NM_001282625.2, NM_001282626.2, NM_005572.4 and 1 more transcripts).
Identifiers: ClinVar variation 1122586 (VCV001122586.13), dbSNP rs151160622, ClinGen allele CA049977.

ClinVar aggregate classification (germline): Conflicting classifications of pathogenicity. Review status: criteria provided, conflicting classifications (1 of 4 stars). 4 submissions from 4 submitters: Uncertain significance (1); Likely benign (3). Last evaluated 2025-12-28.

Conditions:
Charcot-Marie-Tooth disease type 2. Also called: Charcot-Marie-Tooth type 2. Identifiers: Orphanet 64746, MedGen C0270914, MONDO:0018993.
Primary dilated cardiomyopathy (DCM). Also called: Dilated Cardiomyopathy. Identifiers: Orphanet 217604, MedGen C0007193, MeSH D002311, MONDO:0005021, HP:0001644. Inheritance: Various modes of inheritance.
LMNA-related disorder. Also called: LMNA-related condition; LMNA-related disease; LMNA-related disorders. Identifiers: MedGen CN380145.
Cardiovascular phenotype. Identifiers: MedGen CN230736.

Allele frequency attached by ClinVar (database versions not stated): gnomAD exomes below 0.00001; gnomAD 0.00002 and 0.00003; TOPMed 0.00002; ExAC 0.00004; ESP Exome Variant Server 0.00015.
gnomAD v4.1: 4 of 1,589,020 alleles (0.00025%); highest among the groups gnomAD compares: African/African-American, 0.004%; no homozygotes.

Submissions (4):

PreventionGenetics, part of Exact Sciences
Classification: Likely benign for LMNA-related condition. Last evaluated: 2025-12-28. Review status: criteria provided, single submitter. Criteria: ACMG Guidelines, 2015. Collection method: clinical testing. Allele origin: germline.
Comment: This variant is classified as likely benign based on ACMG/AMP sequence variant interpretation guidelines (Richards et al. 2015 PMID: 25741868, with internal and published modifications).

Labcorp Genetics (formerly Invitae), Labcorp
Classification: Likely benign for Charcot-Marie-Tooth disease type 2. Last evaluated: 2025-09-01. Review status: criteria provided, single submitter. Criteria: Invitae Variant Classification Sherloc (09022015). Collection method: clinical testing. Allele origin: germline.

All of Us Research Program, National Institutes of Health
Classification: Uncertain significance for Primary dilated cardiomyopathy. Last evaluated: 2023-12-01. Review status: criteria provided, single submitter. Criteria: ACMG Guidelines, 2015. Collection method: clinical testing. Allele origin: germline. Inheritance: Autosomal dominant inheritance. Observed: 1 variant allele, 1 heterozygote.
Comment: This study involves interpretation of variants in research participants for the purpose of population health screening. Participant phenotype was not available at the time of variant classification. Additional details can be found in publication PMID: 35346344, PMCID: PMC8962531

Ambry Genetics
Classification: Likely benign for Cardiovascular phenotype. Last evaluated: 2021-10-21. Review status: criteria provided, single submitter. Criteria: Ambry Variant Classification Scheme 2023. Collection method: clinical testing. Allele origin: germline.